The following is an entry in ClinVar:

NM_012469.4(PRPF6):c.139C>T (p.Arg47Cys)

Gene: PRPF6 (pre-mRNA processing factor 6; plus strand). Cytogenetic location: 20q13.33.
Variant type: single nucleotide variant.
Coding change: c.139C>T on transcript NM_012469.4 (MANE Select); coding-DNA position 139, C replaced by T.
Protein change: p.Arg47Cys; replaces arginine 47 with cysteine.
Molecular consequence: missense variant.
Genome position (GRCh38, 1-based): chr20:63,983,114, C>T. VCF-style: chr20-63983114-C-T. GRCh37 (hg19) VCF-style: chr20-62614467-C-T.
Other names: short protein forms R47C.
Identifiers: ClinVar variation 1005078 (VCV001005078.8), dbSNP rs2059078451, ClinGen allele CA409796724.

ClinVar aggregate classification (germline): Uncertain significance (1 of 4 stars; one submission).

Allele frequency attached by ClinVar (database versions not stated): gnomAD exomes below 0.00001.

Submission:

Labcorp Genetics (formerly Invitae), Labcorp
Classification: Uncertain significance. Last evaluated: 2024-02-19. Review status: criteria provided, single submitter. Criteria: Invitae Variant Classification Sherloc (09022015). Collection method: clinical testing. Allele origin: germline.
Comment: This sequence change replaces arginine, which is basic and polar, with cysteine, which is neutral and slightly polar, at codon 47 of the PRPF6 protein (p.Arg47Cys). This variant is not present in population databases (gnomAD no frequency). This variant has not been reported in the literature in individuals affected with PRPF6-related conditions. ClinVar contains an entry for this variant (Variation ID: 1005078). Advanced modeling of protein sequence and biophysical properties (such as structural, functional, and spatial information, amino acid conservation, physicochemical variation, residue mobility, and thermodynamic stability) performed at Invitae indicates that this missense variant is expected to disrupt PRPF6 protein function with a positive predictive value of 80%. Algorithms developed to predict the effect of sequence changes on RNA splicing suggest that this variant may create or strengthen a splice site. In summary, the available evidence is currently insufficient to determine the role of this variant in disease. Therefore, it has been classified as a Variant of Uncertain Significance.